The following is an entry in ClinVar:

NM_015271.5(TRIM2):c.1625A>G (p.Asn542Ser)

Gene: TRIM2 (tripartite motif containing 2; plus strand). Cytogenetic location: 4q31.3.
Variant type: single nucleotide variant.
Coding change: c.1625A>G on transcript NM_015271.5 (MANE Select); coding-DNA position 1625, A replaced by G.
Protein change: p.Asn542Ser; replaces asparagine 542 with serine.
Molecular consequence: missense variant.
Genome position (GRCh38, 1-based): chr4:153,315,842, A>G. VCF-style: chr4-153315842-A-G. GRCh37 (hg19) VCF-style: chr4-154236994-A-G.
Other names: c.1544A>G, p.Asn515Ser (NM_001130067.2, NM_001351056.2); c.1598A>G, p.Asn533Ser (NM_001351054.2); c.1595A>G, p.Asn532Ser (NM_001351055.2); c.1169A>G, p.Asn390Ser (NM_001351057.2); short protein forms N515S, N532S, N390S, N542S, N533S.
Identifiers: ClinVar variation 576457 (VCV000576457.9), dbSNP rs374300347, ClinGen allele CA3108799.

ClinVar aggregate classification (germline): Uncertain significance (1 of 4 stars; one submission).

Conditions:
Charcot-Marie-Tooth disease type 2R. Also called: CHARCOT-MARIE-TOOTH NEUROPATHY, TYPE 2R; CHARCOT-MARIE-TOOTH DISEASE, AXONAL, AUTOSOMAL RECESSIVE, TYPE 2R; Charcot-Marie-Tooth disease, axonal, type 2R. Identifiers: Orphanet 397968, MedGen C3809655, MONDO:0014208, OMIM 615490.

Allele frequency attached by ClinVar (database versions not stated): gnomAD exomes 0.00001; ExAC 0.00001; gnomAD 0.00001; TOPMed 0.00001; ESP Exome Variant Server 0.00008.
gnomAD v4.1: 15 of 1,614,044 alleles (0.00093%); highest among the groups gnomAD compares: Admixed American, 0.005%; no homozygotes.

Submission:

Labcorp Genetics (formerly Invitae), Labcorp
Classification: Uncertain significance for Charcot-Marie-Tooth disease type 2R. Last evaluated: 2024-07-12. Review status: criteria provided, single submitter. Criteria: Invitae Variant Classification Sherloc (09022015). Collection method: clinical testing. Allele origin: germline.
Comment: This sequence change replaces asparagine, which is neutral and polar, with serine, which is neutral and polar, at codon 515 of the TRIM2 protein (p.Asn515Ser). This variant is present in population databases (rs374300347, gnomAD 0.003%). This variant has not been reported in the literature in individuals affected with TRIM2-related conditions. ClinVar contains an entry for this variant (Variation ID: 576457). An algorithm developed to predict the effect of missense changes on protein structure and function (PolyPhen-2) suggests that this variant is likely to be tolerated. In summary, the available evidence is currently insufficient to determine the role of this variant in disease. Therefore, it has been classified as a Variant of Uncertain Significance.